The following is an entry in ClinVar:

NM_000426.4(LAMA2):c.7691T>C (p.Leu2564Pro)

Gene: LAMA2 (laminin subunit alpha 2; plus strand). Cytogenetic location: 6q22.33.
Variant type: single nucleotide variant.
Coding change: c.7691T>C on transcript NM_000426.4 (MANE Select); coding-DNA position 7691, T replaced by C.
Protein change: p.Leu2564Pro; replaces leucine 2564 with proline.
Molecular consequence: missense variant.
Genome position (GRCh38, 1-based): chr6:129,481,381, T>C. VCF-style: chr6-129481381-T-C. GRCh37 (hg19) VCF-style: chr6-129802526-T-C.
Other names: c.7679T>C, p.Leu2560Pro (NM_001079823.2); short protein forms L2564P, L2560P.
Identifiers: ClinVar variation 14294 (VCV000014294.3), dbSNP rs121913570, ClinGen allele CA257207.

ClinVar aggregate classification (germline): Conflicting classifications of pathogenicity. Review status: criteria provided, conflicting classifications (1 of 4 stars). 3 submissions from 3 submitters: Pathogenic (1); Uncertain significance (1). 1 of the submissions does not count toward it. Last evaluated 2023-08-08.

Conditions:
Merosin deficient congenital muscular dystrophy (MDC1A). Also called: Congenital Muscular Dystrophy Type 1A (MDC1A); Congenital merosin-deficient muscular dystrophy 1A. Identifiers: Orphanet 258, MedGen C1263858, MONDO:0011925, OMIM 607855.

Allele frequency attached by ClinVar (database versions not stated): gnomAD 0.00001; gnomAD exomes 0.00001; TOPMed below 0.00001.
gnomAD v4.1: 10 of 1,613,856 alleles (0.00062%); highest among the groups gnomAD compares: Non-Finnish European, 0.00085%; no homozygotes.

Submissions (3):

Women's Health and Genetics/Laboratory Corporation of America, LabCorp
Classification: Uncertain significance. Last evaluated: 2023-08-08. Review status: criteria provided, single submitter. Criteria: LabCorp Variant Classification Summary - May 2015. Collection method: clinical testing. Allele origin: germline.
Comment: Variant summary: LAMA2 c.7691T>C (p.Leu2564Pro) results in a non-conservative amino acid change to a highly conserved residue (HGMD) located in the Laminin G domain (IPR001791) of the encoded protein sequence. Five of five in-silico tools predict a damaging effect of the variant on protein function. The variant was absent in 251280 control chromosomes (gnomAD). c.7691T>C has been reported in the literature in an individual affected with Laminin Alpha 2-Related Dystrophy who was compound heterozygous with a likely pathogenic variant (He_2001, Punetha_2016, O'Grady_2016). These data suggest the variant may be associated with disease. To our knowledge, no experimental evidence demonstrating an impact on protein function has been reported. The following publications have been ascertained in the context of this evaluation (PMID: 11591858, 27854218, 27159402). No submitters have cited clinical-significance assessments for this variant to ClinVar after 2014. Based on the evidence outlined above, the variant was classified as VUS-possibly pathogenic.

Baylor Genetics
Classification: Pathogenic for Merosin deficient congenital muscular dystrophy. Last evaluated: 2023-03-20. Review status: criteria provided, single submitter. Criteria: ACMG Guidelines, 2015. Collection method: clinical testing. Allele origin: unknown.

OMIM
Classification: Pathogenic for MUSCULAR DYSTROPHY, CONGENITAL MEROSIN-DEFICIENT. Last evaluated: 2001-10-09. Review status: no assertion criteria provided. Collection method: literature only. Allele origin: germline. Not counted in ClinVar's aggregate classification.

Literature cited by the submitters: PubMed 27854218 (cited by Women's Health and Genetics/Laboratory Corporation of America, LabCorp); PubMed 27159402 (cited by Women's Health and Genetics/Laboratory Corporation of America, LabCorp); PubMed 11591858 (cited by Women's Health and Genetics/Laboratory Corporation of America, LabCorp and OMIM).